The following is an entry in ClinVar:

NM_194318.4(B3GLCT):c.*2137T>C

Gene: B3GLCT (beta 3-glucosyltransferase; plus strand). Cytogenetic location: 13q12.3.
Variant type: single nucleotide variant.
Coding change: c.*2137T>C on transcript NM_194318.4 (MANE Select); 2137 bases downstream of the stop codon, T replaced by C.
Molecular consequence: 3 prime UTR variant.
Genome position (GRCh38, 1-based): chr13:31,331,805, T>C. VCF-style: chr13-31331805-T-C. GRCh37 (hg19) VCF-style: chr13-31905942-T-C.
Identifiers: ClinVar variation 880654 (VCV000880654.5), dbSNP rs2056443, ClinGen allele CA13856861.
Genomic context (GRCh38, chr13:31,331,805, plus strand): 5'-TCAGAGATGTTATTTTAGAATCGATTCCCATCTAAAGAACTCAATTTTGAGTCTGACATT[T>C]CCAGGACCAGATATTGTCTTACTCACATTTCCTTTGCTTTGAAATAGGGCTTTCCTTCCA-3'

ClinVar aggregate classification (germline): Benign. Review status: criteria provided, multiple submitters, no conflicts (2 of 4 stars). 2 submissions from 2 submitters: Benign (2). Last evaluated 2018-01-13.

Conditions:
Peters plus syndrome. Also called: KRAUSE-KIVLIN SYNDROME. Identifiers: Orphanet 709, MedGen C0796012, MONDO:0009856, OMIM 261540.

Allele frequency attached by ClinVar (database versions not stated): 1000 Genomes Project 0.60903; 1000 Genomes Project 30x 0.60962; TOPMed 0.65574; gnomAD 0.66166 and 0.66169.

Submissions (2):

Illumina Laboratory Services, Illumina
Classification: Benign for Peters plus syndrome. Last evaluated: 2018-01-13. Review status: criteria provided, single submitter. Criteria: ICSL Variant Classification Criteria 13 December 2019. Collection method: clinical testing. Allele origin: germline.
Comment: This variant was observed in the ICSL laboratory as part of a predisposition screen in an ostensibly healthy population. It had not been previously curated by ICSL or reported in the Human Gene Mutation Database (HGMD: prior to June 1st, 2018), and was therefore a candidate for classification through an automated scoring system. Utilizing variant allele frequency, disease prevalence and penetrance estimates, and inheritance mode, an automated score was calculated to assess if this variant is too frequent to cause the disease. Based on the score and internal cut-off values, a variant classified as benign is not then subjected to further curation. The score for this variant resulted in a classification of benign for this disease.

Breakthrough Genomics
Classification: Benign. Review status: criteria provided, single submitter. Criteria: ACMG Guidelines, 2015. Collection method: not provided. Allele origin: germline. Inheritance: Autosomal recessive inheritance. Affected: yes.